The following is an entry in ClinVar:

ClinVar aggregate classification (germline): Uncertain significance. Review status: criteria provided, multiple submitters, no conflicts (2 of 4 stars). 4 submissions from 4 submitters: Uncertain significance (4). Last evaluated 2025-11-30.

Conditions:
Hereditary cancer-predisposing syndrome. Also called: Hereditary neoplastic syndrome; Neoplastic Syndromes, Hereditary; Tumor predisposition; Hereditary Cancer Syndrome. Identifiers: Orphanet 140162, MedGen C0027672, MeSH D009386, MONDO:0015356.
Familial thoracic aortic aneurysm and aortic dissection (TAAD). Also called: Thoracic aortic aneurysms and dissections. Identifiers: Orphanet 91387, MedGen C4707243, MONDO:0019625.
Juvenile polyposis syndrome (JPS). Identifiers: Orphanet 2929, MedGen C0345893, MONDO:0017380, OMIM 174900.
Juvenile polyposis/hereditary hemorrhagic telangiectasia syndrome (JPHT). Also called: Juvenile Polyposis Syndrome / Hereditary Hemorrhagic Telangiectasia (JPS/HHT); JP/HHT SYNDROME; JUVENILE POLYPOSIS WITH HEREDITARY HEMORRHAGIC TELANGIECTASIA; POLYPOSIS, GENERALIZED JUVENILE, WITH PULMONARY ARTERIOVENOUS MALFORMATION; TELANGIECTASIA, HEREDITARY HEMORRHAGIC, WITH JUVENILE POLYPOSIS COLI. Identifiers: Orphanet 2929, MedGen C1832942, MONDO:0008278, OMIM 175050.

Allele frequency attached by ClinVar (database versions not stated): TOPMed below 0.00001.

Submissions (4):

Labcorp Genetics (formerly Invitae), Labcorp
Classification: Uncertain significance for Juvenile polyposis syndrome. Last evaluated: 2025-11-30. Review status: criteria provided, single submitter. Criteria: Invitae Variant Classification Sherloc (09022015). Collection method: clinical testing. Allele origin: germline.
Comment: This sequence change replaces arginine, which is basic and polar, with cysteine, which is neutral and slightly polar, at codon 441 of the SMAD4 protein (p.Arg441Cys). This variant is not present in population databases (gnomAD no frequency). This variant has not been reported in the literature in individuals affected with SMAD4-related conditions. ClinVar contains an entry for this variant (Variation ID: 640252). Invitae Evidence Modeling of protein sequence and biophysical properties (such as structural, functional, and spatial information, amino acid conservation, physicochemical variation, residue mobility, and thermodynamic stability) has been performed for this missense variant. However, the output from this modeling did not meet the statistical confidence thresholds required to predict the impact of this variant on SMAD4 protein function. In summary, the available evidence is currently insufficient to determine the role of this variant in disease. Therefore, it has been classified as a Variant of Uncertain Significance.

Ambry Genetics
Classification: Uncertain significance for Hereditary cancer-predisposing syndrome; Familial thoracic aortic aneurysm and aortic dissection. Last evaluated: 2025-10-02. Review status: criteria provided, single submitter. Criteria: Ambry Variant Classification Scheme 2023. Collection method: clinical testing. Allele origin: germline.
Comment: The p.R441C variant (also known as c.1321C>T), located in coding exon 10 of the SMAD4 gene, results from a C to T substitution at nucleotide position 1321. The arginine at codon 441 is replaced by cysteine, an amino acid with highly dissimilar properties. This amino acid position is highly conserved in available vertebrate species. In addition, this alteration is predicted to be deleterious by in silico analysis. Based on the available evidence, the clinical significance of this variant remains unclear.

Color Diagnostics, LLC DBA Color Health
Classification: Uncertain significance for Hereditary cancer-predisposing syndrome. Last evaluated: 2025-05-21. Review status: criteria provided, single submitter. Criteria: ACMG Guidelines, 2015. Collection method: clinical testing. Allele origin: germline.
Comment: This missense variant replaces arginine with cysteine at codon 441 of the SMAD4 protein. Computational prediction suggests that this variant may have deleterious impact on protein structure and function. To our knowledge, functional studies have not been reported for this variant. This variant has not been reported in individuals affected with SMAD4-related disorders in the literature. This variant has not been identified in the general population by the Genome Aggregation Database (gnomAD). The available evidence is insufficient to determine the role of this variant in disease conclusively. Therefore, this variant is classified as a Variant of Uncertain Significance.

Baylor Genetics
Classification: Uncertain significance for Juvenile polyposis/hereditary hemorrhagic telangiectasia syndrome. Last evaluated: 2024-03-08. Review status: criteria provided, single submitter. Criteria: ACMG Guidelines, 2015. Collection method: clinical testing. Allele origin: unknown.

NM_005359.6(SMAD4):c.1321C>T (p.Arg441Cys)

Gene: SMAD4 (SMAD family member 4; plus strand). Cytogenetic location: 18q21.2.
Variant type: single nucleotide variant.
Coding change: c.1321C>T on transcript NM_005359.6 (MANE Select); coding-DNA position 1321, C replaced by T.
Protein change: p.Arg441Cys; replaces arginine 441 with cysteine.
Molecular consequence: missense variant.
Genome position (GRCh38, 1-based): chr18:51,076,650, C>T. VCF-style: chr18-51076650-C-T. GRCh37 (hg19) VCF-style: chr18-48603020-C-T.
Other names: short protein forms R441C.
Identifiers: ClinVar variation 640252 (VCV000640252.17), dbSNP rs1599204052, ClinGen allele CA402465126.